The following is an entry in ClinVar:

ClinVar aggregate classification (germline): Uncertain significance. Review status: criteria provided, multiple submitters, no conflicts (2 of 4 stars). 4 submissions from 4 submitters: Uncertain significance (3). 1 of the submissions does not count toward it. Last evaluated 2026-03-19.

Conditions:
Inborn genetic diseases. Identifiers: MedGen C0950123, MeSH D030342.
Myopathy, centronuclear, 5 (CNM5). Identifiers: Orphanet 169186, MedGen C4014814, MONDO:0014418, OMIM 615959.
SPEG-related disorder. Also called: SPEG-related condition.

Allele frequency attached by ClinVar (database versions not stated): gnomAD exomes below 0.00001; 1000 Genomes Project 30x 0.00016; TOPMed 0.00003; gnomAD 0.00005; 1000 Genomes Project 0.00020; ExAC 0.00002.
gnomAD v4.1: 12 of 1,613,534 alleles (0.00074%); highest among the groups gnomAD compares: African/African-American, 0.016%; no homozygotes.

Submissions (4):

Ambry Genetics
Classification: Uncertain significance for Inborn genetic diseases. Last evaluated: 2026-03-19. Review status: criteria provided, single submitter. Criteria: Ambry Variant Classification Scheme 2023. Collection method: clinical testing. Allele origin: germline.

Labcorp Genetics (formerly Invitae), Labcorp
Classification: Uncertain significance. Last evaluated: 2025-12-27. Review status: criteria provided, single submitter. Criteria: Invitae Variant Classification Sherloc (09022015). Collection method: clinical testing. Allele origin: germline.
Comment: This sequence change replaces tryptophan, which is neutral and slightly polar, with arginine, which is basic and polar, at codon 844 of the SPEG protein (p.Trp844Arg). This variant is present in population databases (rs200230701, gnomAD 0.02%). This variant has not been reported in the literature in individuals affected with SPEG-related conditions. ClinVar contains an entry for this variant (Variation ID: 2401756). An algorithm developed to predict the effect of missense changes on protein structure and function (PolyPhen-2) suggests that this variant is likely to be tolerated. In summary, the available evidence is currently insufficient to determine the role of this variant in disease. Therefore, it has been classified as a Variant of Uncertain Significance.

Revvity Omics, Revvity
Classification: Uncertain significance for Myopathy, centronuclear, 5. Last evaluated: 2023-12-06. Review status: criteria provided, single submitter. Criteria: ACMG Guidelines, 2015. Collection method: clinical testing. Allele origin: germline.

PreventionGenetics, part of Exact Sciences
Classification: Uncertain significance for SPEG-related condition. Last evaluated: 2024-06-28. Review status: no assertion criteria provided. Collection method: clinical testing. Allele origin: germline. Not counted in ClinVar's aggregate classification.
Comment: The SPEG c.2530T>A variant is predicted to result in the amino acid substitution p.Trp844Arg. To our knowledge, this variant has not been reported in the literature. This variant is reported in 0.012% of alleles in individuals of African descent in gnomAD. At this time, the clinical significance of this variant is uncertain due to the absence of conclusive functional and genetic evidence.

NM_005876.5(SPEG):c.2530T>A (p.Trp844Arg)

Gene: SPEG (striated muscle enriched protein kinase; plus strand). Cytogenetic location: 2q35.
Variant type: single nucleotide variant.
Coding change: c.2530T>A on transcript NM_005876.5 (MANE Select); coding-DNA position 2530, T replaced by A.
Protein change: p.Trp844Arg; replaces tryptophan 844 with arginine.
Molecular consequence: missense variant. On other transcripts: 5 prime UTR variant (1).
Genome position (GRCh38, 1-based): chr2:219,461,971, T>A. VCF-style: chr2-219461971-T-A. GRCh37 (hg19) VCF-style: chr2-220326693-T-A.
Other names: c.-18T>A (NM_001173476.2); short protein forms W844R.
Identifiers: ClinVar variation 2401756 (VCV002401756.6), dbSNP rs200230701, ClinGen allele CA2125866.